The following is an entry in ClinVar:

NM_001851.6(COL9A1):c.2276A>T (p.Asp759Val)

Gene: COL9A1 (collagen type IX alpha 1 chain; minus strand). Cytogenetic location: 6q13.
Variant type: single nucleotide variant.
Coding change: c.2276A>T on transcript NM_001851.6 (MANE Select); coding-DNA position 2276, A replaced by T.
Protein change: p.Asp759Val; replaces aspartic acid 759 with valine.
Molecular consequence: missense variant. On other transcripts: non-coding transcript variant (1).
Genome position (GRCh38, 1-based): chr6:70,234,577, T>A on the plus strand (A>T on the coding strand, the complement: COL9A1 is on the minus strand). VCF-style: chr6-70234577-T-A. GRCh37 (hg19) VCF-style: chr6-70944280-T-A.
Other names: c.1577A>T, p.Asp526Val (NM_001377289.1); c.1400A>T, p.Asp467Val (NM_001377290.1); c.1547A>T, p.Asp516Val (NM_078485.4); c.2276A>T (NM_001851.4); short protein forms D467V, D759V, D516V, D526V.
Identifiers: ClinVar variation 1363541 (VCV001363541.10), dbSNP rs752385858, ClinGen allele CA3881804.

ClinVar aggregate classification (germline): Uncertain significance. Review status: criteria provided, multiple submitters, no conflicts (2 of 4 stars). 3 submissions from 3 submitters: Uncertain significance (3). Last evaluated 2024-04-10.

Conditions:
Inborn genetic diseases. Identifiers: MedGen C0950123, MeSH D030342.

Allele frequency attached by ClinVar (database versions not stated): ExAC 0.00001; gnomAD exomes 0.00001; gnomAD 0.00002; TOPMed 0.00003.
gnomAD v4.1: 8 of 1,614,126 alleles (0.0005%); highest among the groups gnomAD compares: East Asian, 0.018%; no homozygotes.

Submissions (3):

Labcorp Genetics (formerly Invitae), Labcorp
Classification: Uncertain significance. Last evaluated: 2024-04-10. Review status: criteria provided, single submitter. Criteria: Invitae Variant Classification Sherloc (09022015). Collection method: clinical testing. Allele origin: germline.
Comment: This sequence change replaces aspartic acid, which is acidic and polar, with valine, which is neutral and non-polar, at codon 759 of the COL9A1 protein (p.Asp759Val). This variant is present in population databases (rs752385858, gnomAD 0.02%). This variant has not been reported in the literature in individuals affected with COL9A1-related conditions. ClinVar contains an entry for this variant (Variation ID: 1363541). Advanced modeling of protein sequence and biophysical properties (such as structural, functional, and spatial information, amino acid conservation, physicochemical variation, residue mobility, and thermodynamic stability) performed at Invitae indicates that this missense variant is not expected to disrupt COL9A1 protein function with a negative predictive value of 95%. In summary, the available evidence is currently insufficient to determine the role of this variant in disease. Therefore, it has been classified as a Variant of Uncertain Significance.

Ambry Genetics
Classification: Uncertain significance for Inborn genetic diseases. Last evaluated: 2023-08-19. Review status: criteria provided, single submitter. Criteria: Ambry Variant Classification Scheme 2023. Collection method: clinical testing. Allele origin: germline.

Blueprint Genetics
Classification: Uncertain significance. Last evaluated: 2021-10-26. Review status: criteria provided, single submitter. Criteria: ACMG Guidelines, 2015. Collection method: clinical testing. Allele origin: germline.